The following is an entry in ClinVar:

NM_000528.4(MAN2B1):c.603_604del (p.Arg202fs)

Gene: MAN2B1 (mannosidase alpha class 2B member 1; minus strand). Cytogenetic location: 19p13.13.
Variant type: Microsatellite.
Coding change: c.603_604del on transcript NM_000528.4 (MANE Select); coding-DNA positions 603 to 604, 2 bases deleted (TC; older notation c.603_604delTC).
Protein change: p.Arg202fs; shifts the reading frame from arginine 202.
Molecular consequence: frameshift variant.
Genome position (GRCh38, 1-based): chr19:12,664,818-12,664,819, GA deleted on the plus strand (TC on the coding strand, the reverse complement: MAN2B1 is on the minus strand); deleting any 2 consecutive bases within chr19:12,664,818-12,664,822 gives the same sequence; the c. name uses the placement nearest the transcript's 3' end. VCF-style (leftmost placement, unchanged base first): chr19-12664817-CGA-C. GRCh37 (hg19) VCF-style: chr19-12775631-CGA-C.
Other names: c.603_604del, p.Arg202fs (NM_001173498.2); short protein forms R202fs.
Identifiers: ClinVar variation 2836905 (VCV002836905.3), dbSNP rs2512514455, ClinGen allele CA2582722382.

ClinVar aggregate classification (germline): Pathogenic (1 of 4 stars; one submission).

Conditions:
Deficiency of alpha-mannosidase (MANSA). Also called: LYSOSOMAL ALPHA-D-MANNOSIDASE DEFICIENCY; Mannosidosis, alpha-, types I and II; Alpha-Mannosidosis. Identifiers: Orphanet 61, MedGen C0024748, MONDO:0009561, OMIM 248500.

Submission:

Labcorp Genetics (formerly Invitae), Labcorp
Classification: Pathogenic for Deficiency of alpha-mannosidase. Last evaluated: 2023-02-14. Review status: criteria provided, single submitter. Criteria: Invitae Variant Classification Sherloc (09022015). Collection method: clinical testing. Allele origin: germline.
Comment: For these reasons, this variant has been classified as Pathogenic. This variant has not been reported in the literature in individuals affected with MAN2B1-related conditions. This sequence change creates a premature translational stop signal (p.Arg202Glyfs*20) in the MAN2B1 gene. It is expected to result in an absent or disrupted protein product. Loss-of-function variants in MAN2B1 are known to be pathogenic (PMID: 9915946, 22161967). This variant is not present in population databases (gnomAD no frequency).

Literature cited by the submitters: PubMed 9915946; PubMed 22161967.